The following is an entry in ClinVar:

NM_017780.4(CHD7):c.6851G>A (p.Arg2284Gln)

Gene: CHD7 (chromodomain helicase DNA binding protein 7; plus strand). Cytogenetic location: 8q12.2.
Variant type: single nucleotide variant.
Coding change: c.6851G>A on transcript NM_017780.4 (MANE Select); coding-DNA position 6851, G replaced by A.
Protein change: p.Arg2284Gln; replaces arginine 2284 with glutamine.
Molecular consequence: missense variant. On other transcripts: intron variant (1).
Genome position (GRCh38, 1-based): chr8:60,854,438, G>A. VCF-style: chr8-60854438-G-A. GRCh37 (hg19) VCF-style: chr8-61766997-G-A.
Other names: c.6851G>A (LRG_176t1, NM_017780.3); c.1717-7791G>A (NM_001316690.1); short protein forms R2284Q.
Identifiers: ClinVar variation 380123 (VCV000380123.5), dbSNP rs542880173, ClinGen allele CA4760678.
Genomic context (GRCh38, chr8:60,854,438, plus strand): 5'-GAGGGAAGAATTTTGATGAAGAAAGCAATGCTTCCATGAGCACTGCTAGAGATGAAACCC[G>A]AGATGGATTCTACATGGAGGACGGAGATCCTTCAGTAGCTCAGCTCCTTCATGAAAGAAC-3'
Protein context (NP_060250.2, residues 2274-2294): ASMSTARDET[Arg2284Gln]DGFYMEDGDP

ClinVar aggregate classification (germline): Conflicting classifications of pathogenicity. Review status: criteria provided, conflicting classifications (1 of 4 stars). 3 submissions from 3 submitters: Uncertain significance (1); Likely benign (2). Last evaluated 2025-07-01.

Conditions:
CHARGE syndrome (CHARGE). Also called: CHARGE ASSOCIATION--COLOBOMA, HEART ANOMALY, CHOANAL ATRESIA, RETARDATION, GENITAL AND EAR ANOMALIES; Coloboma, heart anomaly, choanal atresia, retardation, genital and ear anomalies; CHARGE association; Hall-Hittner syndrome; Hittner Hirsch Kreh syndrome. Identifiers: Orphanet 138, MedGen C0265354, MONDO:0008965.
CHD7-related disorder. Also called: CHD7-related condition.

Allele frequency attached by ClinVar (database versions not stated): gnomAD exomes below 0.00001 and 0.00001; ExAC 0.00001; gnomAD 0.00001; TOPMed 0.00002; 1000 Genomes Project 30x 0.00016; 1000 Genomes Project 0.00020.
gnomAD v4.1: 9 of 1,613,708 alleles (0.00056%); highest among the groups gnomAD compares: Admixed American, 0.0017%; no homozygotes.

Submissions (3):

Labcorp Genetics (formerly Invitae), Labcorp
Classification: Likely benign for CHARGE syndrome. Last evaluated: 2025-07-01. Review status: criteria provided, single submitter. Criteria: Invitae Variant Classification Sherloc (09022015). Collection method: clinical testing. Allele origin: germline.

PreventionGenetics, part of Exact Sciences
Classification: Uncertain significance for CHD7-related condition. Last evaluated: 2023-04-30. Review status: criteria provided, single submitter. Criteria: ACMG Guidelines, 2015. Collection method: clinical testing. Allele origin: germline.
Comment: The CHD7 c.6851G>A variant is predicted to result in the amino acid substitution p.Arg2284Gln. This variant was reported in an individual with kallmann syndrome (Sun et al. 2021. PubMed ID: 35047002). This variant is reported in 0.0029% of alleles in individuals of Latino descent in gnomAD. At this time, the clinical significance of this variant is uncertain due to the absence of conclusive functional and genetic evidence.

GeneDx
Classification: Likely benign. Last evaluated: 2015-07-30. Review status: criteria provided, single submitter. Criteria: GeneDx Variant Classification (06012015). Collection method: clinical testing. Allele origin: germline. Affected: yes.
Comment: This variant is considered likely benign or benign based on one or more of the following criteria: it is a conservative change, it occurs at a poorly conserved position in the protein, it is predicted to be benign by multiple in silico algorithms, and/or has population frequency not consistent with disease.